The following is an entry in ClinVar:

NM_006904.7(PRKDC):c.3217T>C (p.Phe1073Leu)

Gene: PRKDC (protein kinase, DNA-activated, catalytic subunit; minus strand). Cytogenetic location: 8q11.21.
Variant type: single nucleotide variant.
Coding change: c.3217T>C on transcript NM_006904.7 (MANE Select); coding-DNA position 3217, T replaced by C.
Protein change: p.Phe1073Leu; replaces phenylalanine 1073 with leucine.
Molecular consequence: missense variant.
Genome position (GRCh38, 1-based): chr8:47,902,621, A>G on the plus strand (T>C on the coding strand, the complement: PRKDC is on the minus strand). VCF-style: chr8-47902621-A-G. GRCh37 (hg19) VCF-style: chr8-48815181-A-G.
Other names: c.3217T>C, p.Phe1073Leu (NM_001081640.2); short protein forms F1073L.
Identifiers: ClinVar variation 2497408 (VCV002497408.2), dbSNP rs2551875549, ClinGen allele CA371156622.

ClinVar aggregate classification (germline): Uncertain significance (1 of 4 stars; one submission).

Allele frequency attached by ClinVar (database versions not stated): gnomAD exomes below 0.00001.
gnomAD v4.1: 1 of 1,609,438 alleles (0.000062%); highest among the groups gnomAD compares: Non-Finnish European, 0.000085%; no homozygotes.

Submission:

Ambry Genetics
Classification: Uncertain significance. Last evaluated: 2023-01-09. Review status: criteria provided, single submitter. Criteria: Ambry Variant Classification Scheme 2023. Collection method: clinical testing. Allele origin: germline.
Comment: The p.F1073L variant (also known as c.3217T>C), located in coding exon 27 of the PRKDC gene, results from a T to C substitution at nucleotide position 3217. The phenylalanine at codon 1073 is replaced by leucine, an amino acid with highly similar properties. This amino acid position is conserved. In addition, the in silico prediction for this alteration is inconclusive. Since supporting evidence is limited at this time, the clinical significance of this alteration remains unclear.